The following is an entry in ClinVar:

NM_004380.3(CREBBP):c.1435A>G (p.Ser479Gly)

Gene: CREBBP (CREB binding lysine acetyltransferase; minus strand). Cytogenetic location: 16p13.3.
Variant type: single nucleotide variant.
Coding change: c.1435A>G on transcript NM_004380.3 (MANE Select); coding-DNA position 1435, A replaced by G.
Protein change: p.Ser479Gly; replaces serine 479 with glycine.
Molecular consequence: missense variant.
Genome position (GRCh38, 1-based): chr16:3,782,822, T>C on the plus strand (A>G on the coding strand, the complement: CREBBP is on the minus strand). VCF-style: chr16-3782822-T-C. GRCh37 (hg19) VCF-style: chr16-3832823-T-C.
Other names: c.1321A>G, p.Ser441Gly (NM_001079846.1); short protein forms S441G, S479G.
Identifiers: ClinVar variation 3348374 (VCV003348374.1).

ClinVar aggregate classification (germline): Uncertain significance (0 of 4 stars; one submission).

Conditions:
CREBBP-related disorder. Also called: CREBBP-related condition; CREBBP-related disorders.

Submission:

PreventionGenetics, part of Exact Sciences
Classification: Uncertain significance for CREBBP-related condition. Last evaluated: 2024-02-16. Review status: no assertion criteria provided. Collection method: clinical testing. Allele origin: germline.
Comment: The CREBBP c.1435A>G variant is predicted to result in the amino acid substitution p.Ser479Gly. To our knowledge, this variant has not been reported in the literature or in a large population database, indicating this variant is rare. At this time, the clinical significance of this variant is uncertain due to the absence of conclusive functional and genetic evidence.